The following is an entry in ClinVar:

NM_000217.3(KCNA1):c.16G>A (p.Gly6Arg)

Genes: KCNA1 (potassium voltage-gated channel subfamily A member 1; plus strand), LOC130007218 (ATAC-STARR-seq lymphoblastoid silent region 4155; plus strand). Cytogenetic location: 12p13.32.
Variant type: single nucleotide variant.
Coding change: c.16G>A on transcript NM_000217.3 (MANE Select); coding-DNA position 16, G replaced by A.
Protein change: p.Gly6Arg; replaces glycine 6 with arginine.
Molecular consequence: missense variant.
Genome position (GRCh38, 1-based): chr12:4,911,394, G>A. VCF-style: chr12-4911394-G-A. GRCh37 (hg19) VCF-style: chr12-5020560-G-A.
Other names: c.16G>A (NM_000217.2); short protein forms G6R.
Identifiers: ClinVar variation 1474794 (VCV001474794.8), dbSNP rs754549386, ClinGen allele CA231855270.

ClinVar aggregate classification (germline): Uncertain significance. Review status: criteria provided, multiple submitters, no conflicts (2 of 4 stars). 2 submissions from 2 submitters: Uncertain significance (2). Last evaluated 2021-11-16.

Conditions:
Episodic ataxia type 1 (EA1). Also called: Episodic ataxia/myokymia syndrome; ATAXIA, EPISODIC, WITH MYOKYMIA; MYOKYMIA WITH PERIODIC ATAXIA; PAROXYSMAL ATAXIA WITH NEUROMYOTONIA, HEREDITARY. Identifiers: Orphanet 37612, Orphanet 972, MedGen C1719788, MONDO:0008047, OMIM 160120.

Allele frequency attached by ClinVar (database versions not stated): gnomAD exomes below 0.00001.
gnomAD v4.1: 3 of 1,612,636 alleles (0.00019%); highest among the groups gnomAD compares: Non-Finnish European, 0.00025%; no homozygotes.

Submissions (2):

Labcorp Genetics (formerly Invitae), Labcorp
Classification: Uncertain significance for Episodic ataxia type 1. Last evaluated: 2021-11-16. Review status: criteria provided, single submitter. Criteria: Invitae Variant Classification Sherloc (09022015). Collection method: clinical testing. Allele origin: germline.
Comment: In summary, the available evidence is currently insufficient to determine the role of this variant in disease. Therefore, it has been classified as a Variant of Uncertain Significance. Algorithms developed to predict the effect of sequence changes on RNA splicing suggest that this variant may create or strengthen a splice site. Advanced modeling of protein sequence and biophysical properties (such as structural, functional, and spatial information, amino acid conservation, physicochemical variation, residue mobility, and thermodynamic stability) performed at Invitae indicates that this missense variant is not expected to disrupt KCNA1 protein function. This variant has not been reported in the literature in individuals affected with KCNA1-related conditions. This variant is not present in population databases (gnomAD no frequency). This sequence change replaces glycine, which is neutral and non-polar, with arginine, which is basic and polar, at codon 6 of the KCNA1 protein (p.Gly6Arg).

Revvity Omics, Revvity
Classification: Uncertain significance for Episodic ataxia type 1. Last evaluated: 2019-08-23. Review status: criteria provided, single submitter. Criteria: ACMG Guidelines, 2015. Collection method: clinical testing. Allele origin: germline.